The following is an entry in ClinVar:

ClinVar aggregate classification (germline): Pathogenic. Review status: criteria provided, multiple submitters, no conflicts (2 of 4 stars). 4 submissions from 4 submitters: Pathogenic (3). 1 of the submissions does not count toward it. Last evaluated 2023-07-03.

Conditions:
PRPH2-related disorder. Also called: PRPH2-related condition; PRPH2-related disorders. Identifiers: MedGen CN239395.
Retinal dystrophy. Also called: Inherited retinal dystrophy. Identifiers: Orphanet 71862, MedGen C0854723, MeSH D058499, MONDO:0019118, HP:0000556.

Submissions (4):

Labcorp Genetics (formerly Invitae), Labcorp
Classification: Pathogenic for PRPH2-related disorder. Last evaluated: 2023-07-03. Review status: criteria provided, single submitter. Criteria: Invitae Variant Classification Sherloc (09022015). Collection method: clinical testing. Allele origin: germline.
Comment: This variant is not present in population databases (gnomAD no frequency). This sequence change creates a premature translational stop signal (p.Glu191*) in the PRPH2 gene. It is expected to result in an absent or disrupted protein product. Loss-of-function variants in PRPH2 are known to be pathogenic (PMID: 8111389, 8485575, 8485576, 8675410, 16916875, 17504850, 22863181, 25675413, 26061163, 27365499, 29555955, 33546218). This premature translational stop signal has been observed in individual(s) with clinical features of PRPH2-related conditions (PMID: 29555955). For these reasons, this variant has been classified as Pathogenic. ClinVar contains an entry for this variant (Variation ID: 1175260).

Blueprint Genetics
Classification: Pathogenic for PRPH2-related disorders. Last evaluated: 2023-06-01. Review status: criteria provided, single submitter. Criteria: ACMG Guidelines, 2015. Collection method: clinical testing. Allele origin: germline. Affected: yes. Observed: 3 variant alleles.

Institute of Human Genetics, Univ. Regensburg, Univ. Regensburg
Classification: Pathogenic for Retinal dystrophy. Last evaluated: 2020-01-01. Review status: criteria provided, single submitter. Criteria: ACMG Guidelines, 2015. Collection method: clinical testing. Allele origin: germline. Affected: yes.

Leiden Open Variation Database
Classification: Pathogenic. Last evaluated: 2021-04-06. Review status: no assertion criteria provided. Collection method: curation. Allele origin: germline. Affected: yes. Not counted in ClinVar's aggregate classification.
Comment: Curator: Global Variome, with Curator vacancy. Submitters to LOVD: LOVD, Manon Peeters.

Literature cited by the submitters: PubMed 8111389 (cited by Labcorp Genetics (formerly Invitae), Labcorp); PubMed 8485575 (cited by Labcorp Genetics (formerly Invitae), Labcorp); PubMed 8485576 (cited by Labcorp Genetics (formerly Invitae), Labcorp); PubMed 8675410 (cited by Labcorp Genetics (formerly Invitae), Labcorp); PubMed 16916875 (cited by Labcorp Genetics (formerly Invitae), Labcorp); PubMed 17504850 (cited by Labcorp Genetics (formerly Invitae), Labcorp); PubMed 22863181 (cited by Labcorp Genetics (formerly Invitae), Labcorp); PubMed 25675413 (cited by Labcorp Genetics (formerly Invitae), Labcorp); PubMed 26061163 (cited by Labcorp Genetics (formerly Invitae), Labcorp); PubMed 27365499 (cited by Labcorp Genetics (formerly Invitae), Labcorp); PubMed 29555955 (cited by 3 submitters); PubMed 33546218 (cited by Labcorp Genetics (formerly Invitae), Labcorp); PubMed 3441139 (cited by Institute of Human Genetics, Univ. Regensburg, Univ. Regensburg); PubMed 26024099 (cited by Leiden Open Variation Database).

NM_000322.5(PRPH2):c.571G>T (p.Glu191Ter)

Gene: PRPH2 (peripherin 2; minus strand). Cytogenetic location: 6p21.1.
Variant type: single nucleotide variant.
Coding change: c.571G>T on transcript NM_000322.5 (MANE Select); coding-DNA position 571, G replaced by T.
Protein change: p.Glu191Ter; replaces glutamic acid 191 with a stop codon.
Molecular consequence: nonsense.
Genome position (GRCh38, 1-based): chr6:42,721,764, C>A on the plus strand (G>T on the coding strand, the complement: PRPH2 is on the minus strand). VCF-style: chr6-42721764-C-A. GRCh37 (hg19) VCF-style: chr6-42689502-C-A.
Other names: short protein forms E191*.
Identifiers: ClinVar variation 1175260 (VCV001175260.9), dbSNP rs2152010848, ClinGen allele CA364137155.